The following is an entry in ClinVar:

ClinVar aggregate classification (germline): Uncertain significance (1 of 4 stars; one submission).

Allele frequency attached by ClinVar (database versions not stated): TOPMed 0.00001 and 0.00002; gnomAD 0.00001; gnomAD exomes below 0.00001.
gnomAD v4.1: 2 of 1,612,358 alleles (0.00012%); highest among the groups gnomAD compares: African/African-American, 0.0027%; no homozygotes.

Submission:

GeneDx
Classification: Uncertain significance. Last evaluated: 2014-03-12. Review status: criteria provided, single submitter. Criteria: GeneDx Variant Classification (06012015). Collection method: clinical testing. Allele origin: germline. Affected: yes.
Comment: Missense variants in the TTN gene are considered 'unclassified' if they are not previously reported in the literature and do not have >1% frequency in the population to be considered a polymorphism. Research indicates that truncating mutations in the TTN gene are expected to account for approximately 25% of familial and 18% of sporadic idiopathic DCM; however, truncating variants in the TTN gene have been reported in approximately 3% of reported control alleles. There has been little investigation into non-truncating variants. (Herman D et al. Truncations of titin causing dilated cardiomyopathy. N Eng J Med 366:619-628, 2012) The variant is found in CARDIOMYOPATHY panel(s).

NM_001267550.2(TTN):c.52561A>G (p.Lys17521Glu)

Genes: TTN (titin; minus strand), TTN-AS1 (TTN antisense RNA 1; plus strand), LOC126806425 (BRD4-independent group 4 enhancer GRCh37_chr2:179471933-179473132; plus strand). Cytogenetic location: 2q31.2.
Variant type: single nucleotide variant.
Coding change: c.52561A>G on transcript NM_001267550.2 (MANE Select); coding-DNA position 52561, A replaced by G.
Protein change: p.Lys17521Glu; replaces lysine 17521 with glutamic acid.
Molecular consequence: missense variant.
Genome position (GRCh38, 1-based): chr2:178,608,322, T>C on the plus strand (A>G on the coding strand, the complement: TTN is on the minus strand). VCF-style: chr2-178608322-T-C. GRCh37 (hg19) VCF-style: chr2-179473049-T-C.
Other names: p.K15880E:AAA>GAA; c.47638A>G, p.Lys15880Glu (NM_001256850.1); c.25366A>G, p.Lys8456Glu (NM_003319.4); c.44857A>G, p.Lys14953Glu (NM_133378.4); c.25741A>G, p.Lys8581Glu (NM_133432.3); c.25942A>G, p.Lys8648Glu (NM_133437.4); short protein forms K15880E, K17521E, K8456E, K8648E, K14953E, K8581E.
Identifiers: ClinVar variation 202700 (VCV000202700.2), dbSNP rs794729456, ClinGen allele CA310022.
Genomic context (GRCh38, chr2:178,608,322, plus strand): 5'-CATAGGTGAGTCCTTCTAATAAGCCATCTACATTGGCTTTCAAGGCATTCAGAAGGCTTT[T>C]GTTGACACGAGACCAATGTGTACTGTTAACTTCACGTTTTTCAAGCCAGTAACCCAAAAT-3'
Protein context (NP_001254479.2, residues 17511-17531): VNSTHWSRVN[Lys17521Glu]SLLNALKANV